The following is an entry in ClinVar:

ClinVar aggregate classification (germline): Likely pathogenic (1 of 4 stars; one submission).

Allele frequency attached by ClinVar (database versions not stated): TOPMed below 0.00001; ExAC 0.00001; gnomAD exomes 0.00001.
gnomAD v4.1: 13 of 1,612,250 alleles (0.00081%); highest among the groups gnomAD compares: Non-Finnish European, 0.0011%; no homozygotes.

Submission:

Labcorp Genetics (formerly Invitae), Labcorp
Classification: Likely pathogenic. Last evaluated: 2025-04-22. Review status: criteria provided, single submitter. Criteria: Invitae Variant Classification Sherloc (09022015). Collection method: clinical testing. Allele origin: germline.
Comment: This sequence change affects a donor splice site in intron 3 of the IARS gene. It is expected to disrupt RNA splicing. Variants that disrupt the donor or acceptor splice site typically lead to a loss of protein function (PMID: 16199547), and loss-of-function variants in IARS are known to be pathogenic (PMID: 27426735, 27891590). This variant is present in population databases (rs748349854, gnomAD 0.002%). This variant has not been reported in the literature in individuals affected with IARS-related conditions. ClinVar contains an entry for this variant (Variation ID: 2418160). Algorithms developed to predict the effect of sequence changes on RNA splicing suggest that this variant may disrupt the consensus splice site. In summary, the currently available evidence indicates that the variant is pathogenic, but additional data are needed to prove that conclusively. Therefore, this variant has been classified as Likely Pathogenic.

Literature cited by the submitters: PubMed 16199547; PubMed 27426735; PubMed 27891590.

NM_002161.6(IARS1):c.276+1G>A

Gene: IARS1 (isoleucyl-tRNA synthetase 1; minus strand). Cytogenetic location: 9q22.31.
Variant type: single nucleotide variant.
Coding change: c.276+1G>A on transcript NM_002161.6 (MANE Select); the canonical splice donor site of the intron after coding-DNA position 276, G replaced by A.
Molecular consequence: splice donor variant.
Genome position (GRCh38, 1-based): chr9:92,288,125, C>T on the plus strand (G>A on the coding strand, the complement: IARS1 is on the minus strand). VCF-style: chr9-92288125-C-T. GRCh37 (hg19) VCF-style: chr9-95050407-C-T.
Other names: c.276+1G>A (NM_001378573.1, NM_001374301.1, NM_001378582.1 and 16 more transcripts); c.153+1G>A (NM_001378583.1).
Identifiers: ClinVar variation 2418160 (VCV002418160.5), dbSNP rs748349854, ClinGen allele CA5123032.